The following is an entry in ClinVar:

NM_001130144.3(LTBP3):c.1130A>G (p.Tyr377Cys)

Gene: LTBP3 (latent transforming growth factor beta binding protein 3; minus strand). Cytogenetic location: 11q13.1.
Variant type: single nucleotide variant.
Coding change: c.1130A>G on transcript NM_001130144.3 (MANE Select); coding-DNA position 1130, A replaced by G.
Protein change: p.Tyr377Cys; replaces tyrosine 377 with cysteine.
Molecular consequence: missense variant.
Genome position (GRCh38, 1-based): chr11:65,552,916, T>C on the plus strand (A>G on the coding strand, the complement: LTBP3 is on the minus strand). VCF-style: chr11-65552916-T-C. GRCh37 (hg19) VCF-style: chr11-65320387-T-C.
Other names: c.779A>G, p.Tyr260Cys (NM_001164266.1); c.1130A>G, p.Tyr377Cys (NM_021070.4); short protein forms Y260C, Y377C.
Identifiers: ClinVar variation 3041938 (VCV003041938.2), dbSNP rs1856663331, ClinGen allele CA381274297.

ClinVar aggregate classification (germline): Uncertain significance (0 of 4 stars; one submission).

Conditions:
LTBP3-related disorder. Also called: LTBP3-related condition.

Allele frequency attached by ClinVar (database versions not stated): gnomAD exomes below 0.00001.
gnomAD v4.1: 1 of 1,614,150 alleles (0.000062%); highest among the groups gnomAD compares: Non-Finnish European, 0.000085%; no homozygotes.

Submission:

PreventionGenetics, part of Exact Sciences
Classification: Uncertain significance for LTBP3-related condition. Last evaluated: 2023-11-03. Review status: no assertion criteria provided. Collection method: clinical testing. Allele origin: germline.
Comment: The LTBP3 c.1130A>G variant is predicted to result in the amino acid substitution p.Tyr377Cys. To our knowledge, this variant has not been reported in the literature or in a large population database, indicating this variant is rare. At this time, the clinical significance of this variant is uncertain due to the absence of conclusive functional and genetic evidence.